The following is an entry in ClinVar:

ClinVar aggregate classification (germline): Benign (1 of 4 stars; one submission).

Conditions:
Nail-patella syndrome (NPS). Also called: FONG DISEASE; ONYCHOOSTEODYSPLASIA; TURNER-KIESER SYNDROME. Identifiers: Orphanet 2614, MedGen C0027341, MONDO:0008061, OMIM 161200.

Allele frequency attached by ClinVar (database versions not stated): TOPMed 0.00006; gnomAD 0.00007 and 0.00011; gnomAD exomes 0.00030; 1000 Genomes Project 30x 0.00078; 1000 Genomes Project 0.00100.
gnomAD v4.1: 199 of 790,816 alleles (0.025%); highest among the groups gnomAD compares: East Asian, 0.44%; 1 homozygote.

Submission:

Illumina Laboratory Services, Illumina
Classification: Benign for Nail-patella syndrome. Last evaluated: 2018-01-13. Review status: criteria provided, single submitter. Criteria: ICSL Variant Classification Criteria 13 December 2019. Collection method: clinical testing. Allele origin: germline.
Comment: This variant was observed in the ICSL laboratory as part of a predisposition screen in an ostensibly healthy population. It had not been previously curated by ICSL or reported in the Human Gene Mutation Database (HGMD: prior to June 1st, 2018), and was therefore a candidate for classification through an automated scoring system. Utilizing variant allele frequency, disease prevalence and penetrance estimates, and inheritance mode, an automated score was calculated to assess if this variant is too frequent to cause the disease. Based on the score and internal cut-off values, a variant classified as benign is not then subjected to further curation. The score for this variant resulted in a classification of benign for this disease.

NM_001174147.2(LMX1B):c.*155G>A

Gene: LMX1B (LIM homeobox transcription factor 1 beta; plus strand). Cytogenetic location: 9q33.3.
Variant type: single nucleotide variant.
Coding change: c.*155G>A on transcript NM_001174147.2 (MANE Select); 155 bases downstream of the stop codon, G replaced by A.
Molecular consequence: 3 prime UTR variant.
Genome position (GRCh38, 1-based): chr9:126,696,606, G>A. VCF-style: chr9-126696606-G-A. GRCh37 (hg19) VCF-style: chr9-129458885-G-A.
Other names: c.*155G>A (NM_001174146.2, NM_002316.4).
Identifiers: ClinVar variation 914635 (VCV000914635.4), dbSNP rs151191848, ClinGen allele CA199817528.